The following is an entry in ClinVar:

ClinVar aggregate classification (germline): Pathogenic (1 of 4 stars; one submission).

Conditions:
Fanconi anemia complementation group Q. Identifiers: Orphanet 84, MedGen C3808988, MONDO:0014108, OMIM 615272.
Cockayne syndrome. Identifiers: Orphanet 191, MedGen C0009207, MONDO:0016006.
Xeroderma pigmentosum, group F (XPF). Also called: XERODERMA PIGMENTOSUM, COMPLEMENTATION GROUP F; XERODERMA PIGMENTOSUM VI; XP, GROUP F; XERODERMA PIGMENTOSUM, TYPE F; Xeroderma pigmentosum, type 6; ERCC4-Related Xeroderma Pigmentosum. Identifiers: MedGen C0268140, MONDO:0010215, OMIM 278760.

Submission:

Labcorp Genetics (formerly Invitae), Labcorp
Classification: Pathogenic for Fanconi anemia complementation group Q; Xeroderma pigmentosum, group F; Cockayne syndrome. Last evaluated: 2018-07-26. Review status: criteria provided, single submitter. Criteria: Invitae Variant Classification Sherloc (09022015). Collection method: clinical testing. Allele origin: germline.
Comment: Loss-of-function variants in ERCC4 are known to be pathogenic (PMID: 9580660). A gross deletion of the genomic region encompassing the full coding sequence of the ERCC4 gene has been identified. The boundaries of this event are unknown as the deletion extends beyond the assayed region for this gene and therefore may encompass additional genes. This variant has not been reported in the literature in individuals with ERCC4-related disease. For these reasons, this variant has been classified as Pathogenic.

Literature cited by the submitters: PubMed 9580660.

NC_000016.10:g.(?_13920156)_(13948357_?)del

Genes: ERCC4 (ERCC excision repair 4, endonuclease catalytic subunit; plus strand), LOC130058543 (ATAC-STARR-seq lymphoblastoid active region 10486; plus strand), LOC130058544 (ATAC-STARR-seq lymphoblastoid active region 10487; plus strand). Cytogenetic location: 16p13.12.
Variant type: Deletion.
Identifiers: ClinVar variation 661743 (VCV000661743.6).